The following is an entry in ClinVar:

NM_004247.4(EFTUD2):c.367A>G (p.Met123Val)

Gene: EFTUD2 (elongation factor Tu GTP binding domain containing 2; minus strand). Cytogenetic location: 17q21.31.
Variant type: single nucleotide variant.
Coding change: c.367A>G on transcript NM_004247.4 (MANE Select); coding-DNA position 367, A replaced by G.
Protein change: p.Met123Val; replaces methionine 123 with valine.
Molecular consequence: missense variant.
Genome position (GRCh38, 1-based): chr17:44,883,708, T>C on the plus strand (A>G on the coding strand, the complement: EFTUD2 is on the minus strand). VCF-style: chr17-44883708-T-C. GRCh37 (hg19) VCF-style: chr17-42961076-T-C.
Other names: c.262A>G, p.Met88Val (NM_001142605.2); c.367A>G, p.Met123Val (NM_001258353.2, NM_001258354.2); short protein forms M88V, M123V.
Identifiers: ClinVar variation 2792343 (VCV002792343.3), dbSNP rs2051114168, ClinGen allele CA399825301.

ClinVar aggregate classification (germline): Uncertain significance (1 of 4 stars; one submission).

Allele frequency attached by ClinVar (database versions not stated): gnomAD exomes below 0.00001; TOPMed below 0.00001.

Submission:

Labcorp Genetics (formerly Invitae), Labcorp
Classification: Uncertain significance. Last evaluated: 2023-04-01. Review status: criteria provided, single submitter. Criteria: Invitae Variant Classification Sherloc (09022015). Collection method: clinical testing. Allele origin: germline.
Comment: This sequence change replaces methionine, which is neutral and non-polar, with valine, which is neutral and non-polar, at codon 123 of the EFTUD2 protein (p.Met123Val). This variant is not present in population databases (gnomAD no frequency). This variant has not been reported in the literature in individuals affected with EFTUD2-related conditions. Advanced modeling of protein sequence and biophysical properties (such as structural, functional, and spatial information, amino acid conservation, physicochemical variation, residue mobility, and thermodynamic stability) performed at Invitae indicates that this missense variant is expected to disrupt EFTUD2 protein function. In summary, the available evidence is currently insufficient to determine the role of this variant in disease. Therefore, it has been classified as a Variant of Uncertain Significance.